The following is an entry in ClinVar:

ClinVar aggregate classification (germline): Pathogenic (1 of 4 stars; one submission).

Conditions:
Primary ciliary dyskinesia 3. Identifiers: Orphanet 244, MedGen C1837618, MONDO:0012085, OMIM 608644.

Submission:

Myriad Genetics, Inc.
Classification: Pathogenic for Primary ciliary dyskinesia 3. Last evaluated: 2024-05-14. Review status: criteria provided, single submitter. Criteria: Myriad Autosomal Dominant, Autosomal Recessive and X-Linked Classification Criteria (2023). Collection method: clinical testing. Allele origin: unknown.
Comment: NM_001369.2(DNAH5):c.4122_4123del2ins18(Q1374Hfs*8) is expected to be pathogenic in the context of primary ciliary dyskinesia, DNAH5-related. This variant is predicted to lead to an abnormal or absent protein product due to the creation of a premature termination codon in DNAH5, a gene where loss-of-function variants are known to be pathogenic. Please note: this variant was assessed in the context of healthy population screening.

NM_001369.3(DNAH5):c.4122_4123delinsCTGTCTCTTATACACATC (p.Gln1374fs)

Genes: DNAH5 (dynein axonemal heavy chain 5; minus strand), DNAH5-AS1 (DNAH5 antisense RNA 1; plus strand). Cytogenetic location: 5p15.2.
Variant type: Indel.
Coding change: c.4122_4123delinsCTGTCTCTTATACACATC on transcript NM_001369.3 (MANE Select); coding-DNA positions 4122 to 4123, AT replaced by CTGTCTCTTATACACATC.
Protein change: p.Gln1374fs; shifts the reading frame from glutamine 1374.
Molecular consequence: frameshift variant.
Genome position (GRCh38, 1-based): chr5:13,865,900-13,865,901, AT replaced by GATGTGTATAAGAGACAG on the plus strand (AT replaced by CTGTCTCTTATACACATC on the coding strand, the reverse complement: DNAH5 is on the minus strand). VCF-style: chr5-13865900-AT-GATGTGTATAAGAGACAG. GRCh37 (hg19) VCF-style: chr5-13866009-AT-GATGTGTATAAGAGACAG.
Other names: short protein forms Q1374fs.
Identifiers: ClinVar variation 5010840 (VCV005010840.1).